The following is an entry in ClinVar:

ClinVar aggregate classification (germline): Pathogenic (1 of 4 stars; one submission).

Conditions:
KBG syndrome (KBGS). Also called: ANKRD11-Related KBG Syndrome. Identifiers: Orphanet 2332, MedGen C0220687, MONDO:0007846, OMIM 148050.

Submission:

Molecular Genetics Laboratory, Motol Hospital
Classification: Pathogenic for KBG syndrome. Last evaluated: 2026-06-11. Review status: criteria provided, single submitter. Criteria: ACMG Guidelines, 2015. Collection method: clinical testing. Allele origin: germline. Inheritance: Autosomal dominant inheritance. Affected: yes. Observed: 1 variant allele, 1 heterozygote.
Comment: A rare variant not present in control non-Finnish European population (gnomAD v4.1.1) (PM2). Rare truncating variants in the ANKRD11 gene are a common cause of autosomal dominant KBG syndrome (PVS1). Approximately 34% of KBGS are of a familial origin with intrafamilial phenotypic variability. The variant is classified as pathogenic.

Literature cited by the submitters: PubMed 29258554; NCBI Bookshelf 487886.

NM_013275.6(ANKRD11):c.3364G>T (p.Glu1122Ter)

Gene: ANKRD11 (ankyrin repeat domain 11; minus strand). Cytogenetic location: 16q24.3.
Variant type: single nucleotide variant.
Coding change: c.3364G>T on transcript NM_013275.6 (MANE Select); coding-DNA position 3364, G replaced by T.
Protein change: p.Glu1122Ter; replaces glutamic acid 1122 with a stop codon.
Molecular consequence: nonsense.
Genome position (GRCh38, 1-based): chr16:89,283,178, C>A on the plus strand (G>T on the coding strand, the complement: ANKRD11 is on the minus strand). VCF-style: chr16-89283178-C-A. GRCh37 (hg19) VCF-style: chr16-89349586-C-A.
Other names: c.3364G>T, p.Glu1122Ter (NM_001256182.2, NM_001256183.2); short protein forms E1122*.
Identifiers: ClinVar variation 4857234 (VCV004857234.1).